The following is an entry in ClinVar:

ClinVar aggregate classification (germline): Pathogenic/Likely pathogenic. Review status: criteria provided, multiple submitters, no conflicts (2 of 4 stars). 2 submissions from 2 submitters: Pathogenic (1); Likely pathogenic (1). Last evaluated 2026-02-18.

Conditions:
Ehlers-Danlos syndrome due to tenascin-X deficiency (EDSCLL1). Also called: EDS DUE TO TNX DEFICIENCY; TNX DEFICIENCY; EHLERS-DANLOS SYNDROME, CLASSIC-LIKE; Ehlers-Danlos syndrome, classic-like, 1; TNXB-Related Classical-Like Ehlers-Danlos Syndrome. Identifiers: Orphanet 230839, MedGen C1848029, MONDO:0011670, OMIM 606408.

Allele frequency attached by ClinVar (database versions not stated): gnomAD exomes below 0.00001.
gnomAD v4.1: 1 of 1,613,252 alleles (0.000062%); highest among the groups gnomAD compares: Non-Finnish European, 0.000085%; no homozygotes.

Submissions (2):

Myriad Genetics, Inc.
Classification: Pathogenic for Ehlers-Danlos syndrome due to tenascin-X deficiency. Last evaluated: 2026-02-18. Review status: criteria provided, single submitter. Criteria: Myriad Autosomal Dominant, Autosomal Recessive and X-Linked Classification Criteria (2023). Collection method: clinical testing. Allele origin: unknown.
Comment: NM_019105.6(TNXB):c.4339C>T(Q1447*) is expected to be pathogenic in the context of classical-like Ehlers-Danlos syndrome, TNXB-related. This variant is predicted to lead to an abnormal or absent protein product due to the creation of a premature termination codon in TNXB, a gene where loss-of-function variants are known to be pathogenic. Please note: this variant was assessed in the context of healthy population screening.

GeneDx
Classification: Likely pathogenic. Last evaluated: 2020-09-25. Review status: criteria provided, single submitter. Criteria: GeneDx Variant Classification Process June 2021. Collection method: clinical testing. Allele origin: germline. Affected: yes.
Comment: Nonsense variant predicted to result in protein truncation or nonsense mediated decay in a gene for which loss-of-function is a known mechanism of disease; Not observed in large population cohorts (Lek et al., 2016); Has not been previously published as pathogenic or benign to our knowledge

NM_001365276.2(TNXB):c.4339C>T (p.Gln1447Ter)

Gene: TNXB (tenascin XB; minus strand). Cytogenetic location: 6p21.33.
Variant type: single nucleotide variant.
Coding change: c.4339C>T on transcript NM_001365276.2 (MANE Select); coding-DNA position 4339, C replaced by T.
Protein change: p.Gln1447Ter; replaces glutamine 1447 with a stop codon.
Molecular consequence: nonsense.
Genome position (GRCh38, 1-based): chr6:32,079,069, G>A on the plus strand (C>T on the coding strand, the complement: TNXB is on the minus strand). VCF-style: chr6-32079069-G-A. GRCh37 (hg19) VCF-style: chr6-32046846-G-A.
Other names: c.4339C>T, p.Gln1447Ter (NM_019105.8); short protein forms Q1447*.
Identifiers: ClinVar variation 620538 (VCV000620538.4), dbSNP rs1562847147, ClinGen allele CA363427792.
Genomic context (GRCh38, chr6:32,079,069, plus strand): 5'-AGCAGGCCCCTGCCCCTCACTCACCTGTCACGCCCACGGCGGACACCGGGCCCACGCGCT[G>A]CCCCTCGTGGAGGCCGTACAGGTGCATCTTGTACTTGTGCCCGGGCTCTAGGCCTCCCAC-3'